The following is an entry in ClinVar:

ClinVar aggregate classification (germline): Uncertain significance. Review status: criteria provided, multiple submitters, no conflicts (2 of 4 stars). 2 submissions from 2 submitters: Uncertain significance (2). Last evaluated 2025-09-08.

Conditions:
Cardiovascular phenotype. Identifiers: MedGen CN230736.
Familial hyperaldosteronism type III. Also called: Familial hyperaldosteronism type 3; FH III. Identifiers: Orphanet 251274, MedGen C3838758, MONDO:0013359, OMIM 613677.
Long QT syndrome 13 (LQT13). Identifiers: Orphanet 101016, Orphanet 768, MedGen C3150733, MONDO:0013279, OMIM 613485.

gnomAD v4.1: 9 of 1,614,138 alleles (0.00056%); highest among the groups gnomAD compares: South Asian, 0.0033%; no homozygotes.

Submissions (2):

Ambry Genetics
Classification: Uncertain significance for Cardiovascular phenotype. Last evaluated: 2025-09-08. Review status: criteria provided, single submitter. Criteria: Ambry Variant Classification Scheme 2023. Collection method: clinical testing. Allele origin: germline.
Comment: The p.V67I variant (also known as c.199G>A), located in coding exon 1 of the KCNJ5 gene, results from a G to A substitution at nucleotide position 199. The valine at codon 67 is replaced by isoleucine, an amino acid with highly similar properties. This amino acid position is highly conserved in available vertebrate species. In addition, the in silico prediction for this alteration is inconclusive. Based on the available evidence, the clinical significance of this variant remains unclear.

Fulgent Genetics
Classification: Uncertain significance for Long QT syndrome 13; Familial hyperaldosteronism type III. Last evaluated: 2024-05-07. Review status: criteria provided, single submitter. Criteria: ACMG Guidelines, 2015. Collection method: clinical testing. Allele origin: germline.

NM_000890.5(KCNJ5):c.199G>A (p.Val67Ile)

Gene: KCNJ5 (potassium inwardly rectifying channel subfamily J member 5; plus strand). Cytogenetic location: 11q24.3.
Variant type: single nucleotide variant.
Coding change: c.199G>A on transcript NM_000890.5 (MANE Select); coding-DNA position 199, G replaced by A.
Protein change: p.Val67Ile; replaces valine 67 with isoleucine.
Molecular consequence: missense variant.
Genome position (GRCh38, 1-based): chr11:128,911,472, G>A. VCF-style: chr11-128911472-G-A. GRCh37 (hg19) VCF-style: chr11-128781367-G-A.
Other names: c.199G>A, p.Val67Ile (NM_001354169.2); short protein forms V67I.
Identifiers: ClinVar variation 3599192 (VCV003599192.2).